The following is an entry in ClinVar:

NM_001111.5(ADAR):c.2886-11_2886-10del

Gene: ADAR (adenosine deaminase RNA specific; minus strand). Cytogenetic location: 1q21.3.
Variant type: Deletion.
Coding change: c.2886-11_2886-10del on transcript NM_001111.5 (MANE Select); 11 bases into the intron before coding-DNA position 2886 through 10 bases into the intron before coding-DNA position 2886, 2 bases deleted (CT; older notation c.2886-11_2886-10delCT).
Molecular consequence: intron variant.
Genome position (GRCh38, 1-based): chr1:154,588,268-154,588,269, AG deleted on the plus strand (CT on the coding strand, the reverse complement: ADAR is on the minus strand). VCF-style (leftmost placement, unchanged base first): chr1-154588267-CAG-C. GRCh37 (hg19) VCF-style: chr1-154560743-CAG-C.
Other names: c.2001-11_2001-10del (NM_001365046.1, NM_001025107.3, NM_001365048.1 and 2 more transcripts); c.2913-11_2913-10del (NM_001365045.1); c.1923-11_1923-10del (NM_001365049.1); c.2751-11_2751-10del (NM_015841.4); c.2808-11_2808-10del (NM_015840.4); c.2886-11_2886-10delCT (NM_001111.5).
Identifiers: ClinVar variation 706939 (VCV000706939.20), dbSNP rs557801982, ClinGen allele CA1131109.
Genomic context (GRCh38, chr1:154,588,267, plus strand): 5'-ACGGTCGCTGCAGGACTTGTCAAAGAGGGCGCCATCTCCACACGGAGCAGTGCTGAAAAA[CAG>C]GGGTGGCTGTTAAAACTCACCTGTGGGAAATCTGCAATTTCGTGGGGCTCCAAAACAGTC-3'

ClinVar aggregate classification (germline): Benign/Likely benign. Review status: criteria provided, multiple submitters, no conflicts (2 of 4 stars). 5 submissions from 5 submitters: Benign (3); Likely benign (2). Last evaluated 2026-01-30.

Conditions:
Aicardi-Goutieres syndrome 6 (AGS6). Identifiers: Orphanet 51, MedGen C3539013, MONDO:0014007, OMIM 615010.
Symmetrical dyschromatosis of extremities (DSH). Also called: SYMMETRIC DYSCHROMATOSIS OF THE EXTREMITIES; Dyschromatosis symmetrica hereditaria; DYSCHROMATOSIS SYMMETRICA HEREDITARIA 1; RETICULATE ACROPIGMENTATION OF DOHI. Identifiers: Orphanet 41, MedGen C0406775, MONDO:0007483, OMIM 127400.

Allele frequency attached by ClinVar (database versions not stated): gnomAD exomes 0.00016 and 0.00037; ExAC 0.00043; 1000 Genomes Project 0.00100; 1000 Genomes Project 30x 0.00109; gnomAD 0.00118 and 0.00128; TOPMed 0.00149; ESP Exome Variant Server 0.00152.

Submissions (5):

Women's Health and Genetics/Laboratory Corporation of America, LabCorp
Classification: Benign. Last evaluated: 2026-01-30. Review status: criteria provided, single submitter. Criteria: LabCorp Variant Classification Summary - May 2015. Collection method: clinical testing. Allele origin: germline.
Comment: Variant summary: ADAR c.2886-11_2886-10delCT is located at a position not widely known to affect splicing. Consensus agreement among computation tools predict no significant impact on normal splicing. However, these predictions have yet to be confirmed by functional studies. The variant allele was found at a frequency of 0.00027 in 1607188 control chromosomes, predominantly at a frequency of 0.0045 within the African or African-American subpopulation in the gnomAD database, including 1 homozygote. The observed variant frequency within African or African-American control individuals in the gnomAD database exceeds the estimated maximal expected allele frequency for disease-causing variants in ADAR. To our knowledge, no occurrence of c.2886-11_2886-10delCT in individuals affected with ADAR-related conditions and no experimental evidence demonstrating its impact on protein function have been reported. ClinVar contains an entry for this variant (Variation ID: 706939). Based on the evidence outlined above, the variant was classified as benign.

Labcorp Genetics (formerly Invitae), Labcorp
Classification: Benign for Aicardi-Goutieres syndrome 6; Symmetrical dyschromatosis of extremities. Last evaluated: 2026-01-26. Review status: criteria provided, single submitter. Criteria: Invitae Variant Classification Sherloc (09022015). Collection method: clinical testing. Allele origin: germline.

Blueprint Genetics
Classification: Likely benign. Last evaluated: 2024-08-09. Review status: criteria provided, single submitter. Criteria: ACMG Guidelines, 2015. Collection method: clinical testing. Allele origin: germline.

Genome-Nilou Lab
Classification: Benign for Aicardi-Goutieres syndrome 6. Last evaluated: 2023-04-11. Review status: criteria provided, single submitter. Criteria: ACMG Guidelines, 2015. Collection method: clinical testing. Allele origin: germline. Affected: no.

GeneDx
Classification: Likely benign. Last evaluated: 2023-01-31. Review status: criteria provided, single submitter. Criteria: GeneDx Variant Classification Process June 2021. Collection method: clinical testing. Allele origin: germline. Affected: yes.
Comment: See Variant Classification Assertion Criteria.